The following is an entry in ClinVar:

NM_001134363.3(RBM20):c.578C>G (p.Ala193Gly)

Gene: RBM20 (RNA binding motif protein 20; plus strand). Cytogenetic location: 10q25.2.
Variant type: single nucleotide variant.
Coding change: c.578C>G on transcript NM_001134363.3 (MANE Select); coding-DNA position 578, C replaced by G.
Protein change: p.Ala193Gly; replaces alanine 193 with glycine.
Molecular consequence: missense variant.
Genome position (GRCh38, 1-based): chr10:110,781,187, C>G. VCF-style: chr10-110781187-C-G. GRCh37 (hg19) VCF-style: chr10-112540945-C-G.
Other names: short protein forms A193G.
Identifiers: ClinVar variation 1749637 (VCV001749637.3), dbSNP rs1381782970, ClinGen allele CA378381361.

ClinVar aggregate classification (germline): Uncertain significance (1 of 4 stars; one submission).

Conditions:
Cardiovascular phenotype. Identifiers: MedGen CN230736.

Allele frequency attached by ClinVar (database versions not stated): TOPMed below 0.00001.
gnomAD v4.1: 3 of 1,551,686 alleles (0.00019%); highest among the groups gnomAD compares: Non-Finnish European, 0.00017%; no homozygotes.

Submission:

Ambry Genetics
Classification: Uncertain significance for Cardiovascular phenotype. Last evaluated: 2025-02-21. Review status: criteria provided, single submitter. Criteria: Ambry Variant Classification Scheme 2023. Collection method: clinical testing. Allele origin: germline.
Comment: The p.A193G variant (also known as c.578C>G), located in coding exon 2 of the RBM20 gene, results from a C to G substitution at nucleotide position 578. The alanine at codon 193 is replaced by glycine, an amino acid with similar properties. This amino acid position is not well conserved in available vertebrate species. In addition, this alteration is predicted to be tolerated by in silico analysis. Based on the available evidence, the clinical significance of this variant remains unclear.